The following is an entry in ClinVar:

ClinVar aggregate classification (germline): Uncertain significance (1 of 4 stars; one submission).

Conditions:
Hyperphosphatasia with impaired intellectual development syndrome 2. Also called: GLYCOSYLPHOSPHATIDYLINOSITOL BIOSYNTHESIS DEFECT 6; Hyperphosphatasia with intellectual disability syndrome 2. Identifiers: Orphanet 247262, MedGen C3553637, MONDO:0013882, OMIM 614749.

Allele frequency attached by ClinVar (database versions not stated): gnomAD exomes 0.00001 and below 0.00001.
gnomAD v4.1: 10 of 1,613,564 alleles (0.00062%); highest among the groups gnomAD compares: Admixed American, 0.0017%; no homozygotes.

Submission:

Labcorp Genetics (formerly Invitae), Labcorp
Classification: Uncertain significance for Hyperphosphatasia with impaired intellectual development syndrome 2. Last evaluated: 2021-08-24. Review status: criteria provided, single submitter. Criteria: Invitae Variant Classification Sherloc (09022015). Collection method: clinical testing. Allele origin: germline.
Comment: This sequence change replaces arginine with cysteine at codon 32 of the PIGO protein (p.Arg32Cys). The arginine residue is highly conserved and there is a large physicochemical difference between arginine and cysteine. This variant is not present in population databases (ExAC no frequency). This variant has not been reported in the literature in individuals affected with PIGO-related conditions. Algorithms developed to predict the effect of missense changes on protein structure and function (SIFT, PolyPhen-2, Align-GVGD) all suggest that this variant is likely to be disruptive. In summary, the available evidence is currently insufficient to determine the role of this variant in disease. Therefore, it has been classified as a Variant of Uncertain Significance.

NM_032634.4(PIGO):c.94C>T (p.Arg32Cys)

Gene: PIGO (phosphatidylinositol glycan anchor biosynthesis class O; minus strand). Cytogenetic location: 9p13.3.
Variant type: single nucleotide variant.
Coding change: c.94C>T on transcript NM_032634.4 (MANE Select); coding-DNA position 94, C replaced by T.
Protein change: p.Arg32Cys; replaces arginine 32 with cysteine.
Molecular consequence: missense variant.
Genome position (GRCh38, 1-based): chr9:35,095,472, G>A on the plus strand (C>T on the coding strand, the complement: PIGO is on the minus strand). VCF-style: chr9-35095472-G-A. GRCh37 (hg19) VCF-style: chr9-35095469-G-A.
Other names: c.94C>T, p.Arg32Cys (NM_001201484.2, NM_152850.4); short protein forms R32C.
Identifiers: ClinVar variation 473239 (VCV000473239.7), dbSNP rs1057180311, ClinGen allele CA192716955.